The following is an entry in ClinVar:

NM_007294.4(BRCA1):c.3791A>C (p.Lys1264Thr)

Genes: BRCA1 (BRCA1 DNA repair associated; minus strand), LOC126862571 (BRD4-independent group 4 enhancer GRCh37_chr17:41243136-41244335; plus strand). Cytogenetic location: 17q21.31.
Variant type: single nucleotide variant.
Coding change: c.3791A>C on transcript NM_007294.4 (MANE Select); coding-DNA position 3791, A replaced by C.
Protein change: p.Lys1264Thr; replaces lysine 1264 with threonine.
Molecular consequence: missense variant. On other transcripts: intron variant (135).
Genome position (GRCh38, 1-based): chr17:43,091,740, T>G on the plus strand (A>C on the coding strand, the complement: BRCA1 is on the minus strand). VCF-style: chr17-43091740-T-G. GRCh37 (hg19) VCF-style: chr17-41243757-T-G.
Other names: c.3668A>C, p.Lys1223Thr (NM_001407668.1, NM_001407669.1, NM_001407674.1 and 19 more transcripts); c.3665A>C, p.Lys1222Thr (NM_001407670.1, NM_001407671.1, NM_001407672.1 and 11 more transcripts); c.3578A>C, p.Lys1193Thr (NM_001407571.1, NM_001407853.1, NM_001407894.1 and 9 more transcripts); c.3791A>C, p.Lys1264Thr (NM_001407581.1, NM_001407582.1, NM_001407583.1 and 30 more transcripts); c.3788A>C, p.Lys1263Thr (NM_001407587.1, NM_001407590.1, NM_001407591.1 and 22 more transcripts); c.3782A>C, p.Lys1261Thr (NM_001407646.1, NM_001407647.1); c.3713A>C, p.Lys1238Thr (NM_001407653.1, NM_001407654.1, NM_001407655.1 and 4 more transcripts); c.3710A>C, p.Lys1237Thr (NM_001407659.1, NM_001407660.1, NM_001407661.1 and 1 more transcripts); and 41 more; short protein forms K1096T, K1136T, K1137T, K1152T, K1153T, K1175T, K1176T, K1193T.
Identifiers: ClinVar variation 4856584 (VCV004856584.1).

ClinVar aggregate classification (germline): Likely benign (1 of 4 stars; one submission).

Conditions:
Breast-ovarian cancer, familial, susceptibility to, 1 (BROVCA1). Also called: OVARIAN CANCER, SUSCEPTIBILITY TO; BRCA1 Hereditary Breast and Ovarian Cancer. Identifiers: Orphanet 145, MedGen C2676676, MONDO:0011450, OMIM 604370. Disease mechanism: loss of function.

gnomAD v4.1: 3 of 1,614,244 alleles (0.00019%); highest among the groups gnomAD compares: Non-Finnish European, 0.00025%; no homozygotes.

Submission:

Cancer Bioinformatics and Tumour Evolution Laboratory, Monash University
Classification: Likely benign for Breast-ovarian cancer, familial, susceptibility to, 1. Last evaluated: 2026-05-01. Review status: criteria provided, single submitter. Criteria: ClinGen BRCA1 and BRCA2 Guidelines, 2024. Collection method: curation. Allele origin: germline. Inheritance: Autosomal dominant inheritance.
Comment: Missense variant outside of a functional domain with no splice impact. BRCA1 and BRCA2 VCEP guidelines recommend application of BP1_Strong (PMID: 39142283). PMID: 39281752 - A large scale study to determine the case-control LR of BRCA1 and BRCA2 variants. The data was consolidated in the ccLR browser. This variant was found in the browser with a LR of 0.396374137 which is in the benign supporting range (0.23-0.48) according to the BRCA1 and BRCA2 VCEP. Hence, BP5 is applied.

Literature cited by the submitters: PubMed 39281752.